The following is an entry in ClinVar:

NM_003803.4(MYOM1):c.3698T>C (p.Leu1233Pro)

Gene: MYOM1 (myomesin 1; minus strand). Cytogenetic location: 18p11.31.
Variant type: single nucleotide variant.
Coding change: c.3698T>C on transcript NM_003803.4 (MANE Select); coding-DNA position 3698, T replaced by C.
Protein change: p.Leu1233Pro; replaces leucine 1233 with proline.
Molecular consequence: missense variant.
Genome position (GRCh38, 1-based): chr18:3,100,188, A>G on the plus strand (T>C on the coding strand, the complement: MYOM1 is on the minus strand). VCF-style: chr18-3100188-A-G. GRCh37 (hg19) VCF-style: chr18-3100186-A-G.
Other names: c.3410T>C, p.Leu1137Pro (NM_019856.2); short protein forms L1233P, L1137P.
Identifiers: ClinVar variation 1734011 (VCV001734011.2), dbSNP rs1025419841, ClinGen allele CA295497629.

ClinVar aggregate classification (germline): Uncertain significance (1 of 4 stars; one submission).

Allele frequency attached by ClinVar (database versions not stated): TOPMed below 0.00001; gnomAD 0.00001.

Submission:

Ambry Genetics
Classification: Uncertain significance. Last evaluated: 2022-08-17. Review status: criteria provided, single submitter. Criteria: Ambry Variant Classification Scheme 2023. Collection method: clinical testing. Allele origin: germline.
Comment: The p.L1233P variant (also known as c.3698T>C), located in coding exon 24 of the MYOM1 gene, results from a T to C substitution at nucleotide position 3698. The leucine at codon 1233 is replaced by proline, an amino acid with similar properties. This amino acid position is conserved. In addition, the in silico prediction for this alteration is inconclusive. Since supporting evidence is limited at this time, the clinical significance of this alteration remains unclear.